The following is an entry in ClinVar:

NM_031372.4(HNRNPDL):c.1058A>G (p.Tyr353Cys)

Gene: HNRNPDL (heterogeneous nuclear ribonucleoprotein D like; minus strand). Cytogenetic location: 4q21.22.
Variant type: single nucleotide variant.
Coding change: c.1058A>G on transcript NM_031372.4 (MANE Select); coding-DNA position 1058, A replaced by G.
Protein change: p.Tyr353Cys; replaces tyrosine 353 with cysteine.
Molecular consequence: missense variant. On other transcripts: non-coding transcript variant (1), intron variant (1).
Genome position (GRCh38, 1-based): chr4:82,426,597, T>C on the plus strand (A>G on the coding strand, the complement: HNRNPDL is on the minus strand). VCF-style: chr4-82426597-T-C. GRCh37 (hg19) VCF-style: chr4-83347750-T-C.
Other names: c.1022-468A>G (NM_001207000.1); short protein forms Y353C.
Identifiers: ClinVar variation 3606037 (VCV003606037.2).

ClinVar aggregate classification (germline): Uncertain significance (1 of 4 stars; one submission).

Conditions:
Autosomal dominant limb-girdle muscular dystrophy type 1G (LGMDD3). Also called: Limb-girdle muscular dystrophy, type 1G; MUSCULAR DYSTROPHY, LIMB-GIRDLE, AUTOSOMAL DOMINANT 3. Identifiers: Orphanet 55596, MedGen C1836765, MONDO:0012193, OMIM 609115.

gnomAD v4.1: 8 of 1,613,892 alleles (0.0005%); highest among the groups gnomAD compares: Admixed American, 0.0033%; no homozygotes.

Submission:

Labcorp Genetics (formerly Invitae), Labcorp
Classification: Uncertain significance for Autosomal dominant limb-girdle muscular dystrophy type 1G. Last evaluated: 2025-10-18. Review status: criteria provided, single submitter. Criteria: Invitae Variant Classification Sherloc (09022015). Collection method: clinical testing. Allele origin: germline.
Comment: This sequence change replaces tyrosine, which is neutral and polar, with cysteine, which is neutral and slightly polar, at codon 353 of the HNRNPDL protein (p.Tyr353Cys). This variant is present in population databases (no rsID available, gnomAD 0.003%). This variant has not been reported in the literature in individuals affected with HNRNPDL-related conditions. ClinVar contains an entry for this variant (Variation ID: 3606037). An algorithm developed to predict the effect of missense changes on protein structure and function (PolyPhen-2) suggests that this variant is likely to be tolerated. In summary, the available evidence is currently insufficient to determine the role of this variant in disease. Therefore, it has been classified as a Variant of Uncertain Significance.